The following is an entry in ClinVar:

NM_139248.3(LIPH):c.230G>T (p.Gly77Val)

Gene: LIPH (lipase H; minus strand). Cytogenetic location: 3q27.2.
Variant type: single nucleotide variant.
Coding change: c.230G>T on transcript NM_139248.3 (MANE Select); coding-DNA position 230, G replaced by T.
Protein change: p.Gly77Val; replaces glycine 77 with valine.
Molecular consequence: missense variant.
Genome position (GRCh38, 1-based): chr3:185,534,952, C>A on the plus strand (G>T on the coding strand, the complement: LIPH is on the minus strand). VCF-style: chr3-185534952-C-A. GRCh37 (hg19) VCF-style: chr3-185252740-C-A.
Other names: short protein forms G77V.
Identifiers: ClinVar variation 3383676 (VCV003383676.1).
Genomic context (GRCh38, chr3:185,534,952, plus strand): 5'-GAGAGCAAACCCTTTACTAAGTCATCCATCCAAACAGGAGGGGAGCCTGTTGGCCTGAAT[C>A]CATGGACAATGAAGGTGGTTTTCTTGGTCACATTCAAGTTCCCAAAAGCTGAGGAGTTGA-3'
Protein context (NP_640341.1, residues 67-87): VTKKTTFIVH[Gly77Val]FRPTGSPPVW

ClinVar aggregate classification (germline): Uncertain significance (1 of 4 stars; one submission).

gnomAD v4.1: 2 of 1,614,006 alleles (0.00012%); highest among the groups gnomAD compares: Admixed American, 0.0017%; no homozygotes.

Submission:

GeneDx
Classification: Uncertain significance. Last evaluated: 2024-05-30. Review status: criteria provided, single submitter. Criteria: GeneDx Variant Classification Process June 2021. Collection method: clinical testing. Allele origin: germline. Affected: yes.
Comment: Not observed at significant frequency in large population cohorts (gnomAD); In silico analysis supports that this missense variant has a deleterious effect on protein structure/function; Has not been previously published as pathogenic or benign to our knowledge